The following is an entry in ClinVar:

ClinVar aggregate classification (germline): Uncertain significance (1 of 4 stars; one submission).

Submission:

GeneDx
Classification: Uncertain significance. Last evaluated: 2023-05-25. Review status: criteria provided, single submitter. Criteria: GeneDx Variant Classification Process June 2021. Collection method: clinical testing. Allele origin: germline. Affected: yes.
Comment: Not observed at significant frequency in large population cohorts (gnomAD); In silico analysis supports a deleterious effect on protein structure/function; Has not been previously published as pathogenic or benign to our knowledge

NM_001042681.2(RERE):c.3943_3945delinsTGG (p.Arg1315Trp)

Gene: RERE (arginine-glutamic acid dipeptide repeats; minus strand). Cytogenetic location: 1p36.23.
Variant type: Indel.
Coding change: c.3943_3945delinsTGG on transcript NM_001042681.2 (MANE Select); coding-DNA positions 3943 to 3945, CGA replaced by TGG.
Protein change: p.Arg1315Trp; replaces arginine 1315 with tryptophan.
Molecular consequence: missense variant.
Genome position (GRCh38, 1-based): chr1:8,358,590-8,358,592, TCG replaced by CCA on the plus strand (CGA replaced by TGG on the coding strand, the reverse complement: RERE is on the minus strand). VCF-style: chr1-8358590-TCG-CCA. GRCh37 (hg19) VCF-style: chr1-8418650-TCG-CCA.
Other names: c.2281_2283delinsTGG, p.Arg761Trp (NM_001042682.2); c.3943_3945delinsTGG, p.Arg1315Trp (NM_012102.4); short protein forms R1315W, R761W.
Identifiers: ClinVar variation 3343497 (VCV003343497.1).